The following is an entry in ClinVar:

ClinVar aggregate classification (germline): Pathogenic (1 of 4 stars; one submission).

Conditions:
Familial cancer of breast. Also called: BREAST CANCER, FAMILIAL; hereditary breast carcinoma; Hereditary breast cancer. Identifiers: Orphanet 227535, MedGen C0346153, MONDO:0016419, OMIM 114480. Disease mechanism: loss of function.

Submission:

Myriad Genetics, Inc.
Classification: Pathogenic for Familial cancer of breast. Last evaluated: 2023-05-19. Review status: criteria provided, single submitter. Criteria: Myriad Autosomal Dominant, Autosomal Recessive and X-Linked Classification Criteria (2023). Collection method: clinical testing. Allele origin: unknown.
Comment: This variant is considered pathogenic. This variant creates a frameshift predicted to result in premature protein truncation.

NM_000465.4(BARD1):c.884_888del (p.Asn295fs)

Gene: BARD1 (BRCA1 associated RING domain 1; minus strand). Cytogenetic location: 2q35.
Variant type: Deletion.
Coding change: c.884_888del on transcript NM_000465.4 (MANE Select); coding-DNA positions 884 to 888, 5 bases deleted (ATGAA; older notation c.884_888delATGAA).
Protein change: p.Asn295fs; shifts the reading frame from asparagine 295.
Molecular consequence: frameshift variant. On other transcripts: non-coding transcript variant (2), intron variant (3).
Genome position (GRCh38, 1-based): chr2:214,780,986-214,780,990, TTCAT deleted on the plus strand (ATGAA on the coding strand, the reverse complement: BARD1 is on the minus strand); deleting any 5 consecutive bases within chr2:214,780,986-214,780,991 gives the same sequence; the c. name uses the placement nearest the transcript's 3' end. VCF-style (leftmost placement, unchanged base first): chr2-214780985-CTTCAT-C. GRCh37 (hg19) VCF-style: chr2-215645709-CTTCAT-C.
Other names: c.827_831del, p.Asn276fs (NM_001282543.2); c.158+28422_158+28426del (NM_001282548.2); c.215+16071_215+16075del (NM_001282545.2); c.364+11307_364+11311del (NM_001282549.2); short protein forms N276fs, N295fs.
Identifiers: ClinVar variation 2584147 (VCV002584147.2), dbSNP rs2469507059, ClinGen allele CA2582342116.